The following is an entry in ClinVar:

NM_001130004.2(ACTN1):c.958C>T (p.Arg320Trp)

Gene: ACTN1 (actinin alpha 1; minus strand). Cytogenetic location: 14q24.1.
Variant type: single nucleotide variant.
Coding change: c.958C>T on transcript NM_001130004.2 (MANE Select); coding-DNA position 958, C replaced by T.
Protein change: p.Arg320Trp; replaces arginine 320 with tryptophan.
Molecular consequence: missense variant.
Genome position (GRCh38, 1-based): chr14:68,892,181, G>A on the plus strand (C>T on the coding strand, the complement: ACTN1 is on the minus strand). VCF-style: chr14-68892181-G-A. GRCh37 (hg19) VCF-style: chr14-69358898-G-A.
Other names: p.Arg320Trp; c.958C>T, p.Arg320Trp (NM_001102.4, NM_001130005.2, NM_001411035.1 and 9 more transcripts); c.763C>T, p.Arg255Trp (NM_001411036.1, NM_001424026.1, NM_001424028.1); c.1084C>T, p.Arg362Trp (NM_001424013.1); c.1045C>T, p.Arg349Trp (NM_001424015.1); c.955C>T, p.Arg319Trp (NM_001424017.1); c.895C>T, p.Arg299Trp (NM_001424018.1, NM_001424020.1, NM_001424022.1); c.889C>T, p.Arg297Trp (NM_001424021.1); and 1 more; short protein forms R349W, R255W, R319W, R320W, R362W, R45W, R297W, R299W.
Identifiers: ClinVar variation 2704270 (VCV002704270.4), dbSNP rs374853341, ClinGen allele CA7242500.

ClinVar aggregate classification (germline): Uncertain significance. Review status: criteria provided, multiple submitters, no conflicts (2 of 4 stars). 2 submissions from 2 submitters: Uncertain significance (2). Last evaluated 2025-11-18.

Allele frequency attached by ClinVar (database versions not stated): TOPMed 0.00006; ExAC 0.00009; gnomAD 0.00006; ESP Exome Variant Server 0.00023.
gnomAD v4.1: 129 of 1,614,044 alleles (0.008%); highest among the groups gnomAD compares: Non-Finnish European, 0.0098%; no homozygotes.

Submissions (2):

Labcorp Genetics (formerly Invitae), Labcorp
Classification: Uncertain significance. Last evaluated: 2025-11-18. Review status: criteria provided, single submitter. Criteria: Invitae Variant Classification Sherloc (09022015). Collection method: clinical testing. Allele origin: germline.
Comment: This sequence change replaces arginine, which is basic and polar, with tryptophan, which is neutral and slightly polar, at codon 320 of the ACTN1 protein (p.Arg320Trp). This variant is present in population databases (rs374853341, gnomAD 0.01%). This variant has not been reported in the literature in individuals affected with ACTN1-related conditions. ClinVar contains an entry for this variant (Variation ID: 2704270). Invitae Evidence Modeling of protein sequence and biophysical properties (such as structural, functional, and spatial information, amino acid conservation, physicochemical variation, residue mobility, and thermodynamic stability) indicates that this missense variant is expected to disrupt ACTN1 protein function with a positive predictive value of 80%. In summary, the available evidence is currently insufficient to determine the role of this variant in disease. Therefore, it has been classified as a Variant of Uncertain Significance.

Mayo Clinic Laboratories, Mayo Clinic
Classification: Uncertain significance. Last evaluated: 2024-12-16. Review status: criteria provided, single submitter. Criteria: ACMG Guidelines, 2015. Collection method: clinical testing. Allele origin: germline. Observed: 1 variant allele.
Comment: PP2, PM1_supporting, PM5